The following is an entry in ClinVar:

NM_032237.5(POMK):c.481G>A (p.Glu161Lys)

Gene: POMK (protein O-mannose kinase; plus strand). Cytogenetic location: 8p11.21.
Variant type: single nucleotide variant.
Coding change: c.481G>A on transcript NM_032237.5 (MANE Select); coding-DNA position 481, G replaced by A.
Protein change: p.Glu161Lys; replaces glutamic acid 161 with lysine.
Molecular consequence: missense variant.
Genome position (GRCh38, 1-based): chr8:43,122,305, G>A. VCF-style: chr8-43122305-G-A. GRCh37 (hg19) VCF-style: chr8-42977448-G-A.
Other names: c.481G>A, p.Glu161Lys (NM_001277971.2); short protein forms E161K.
Identifiers: ClinVar variation 1381868 (VCV001381868.6), dbSNP rs2130626660, ClinGen allele CA371121998.

ClinVar aggregate classification (germline): Uncertain significance (1 of 4 stars; one submission).

Conditions:
Muscular dystrophy-dystroglycanopathy (congenital with brain and eye anomalies), type a, 12 (MDDGA12). Also called: WALKER-WARBURG SYNDROME OR MUSCLE-EYE-BRAIN DISEASE, POMK-RELATED. Identifiers: Orphanet 899, MedGen C3808964, MONDO:0014101, OMIM 615249.
Limb-girdle muscular dystrophy due to POMK deficiency. Also called: MUSCULAR DYSTROPHY-DYSTROGLYCANOPATHY, LIMB-GIRDLE, POMK-RELATED; Muscular dystrophy-dystroglycanopathy (limb-girdle), type c, 12. Identifiers: Orphanet 445110, MedGen C4015184, MONDO:0014489, OMIM 616094.

Allele frequency attached by ClinVar (database versions not stated): gnomAD exomes below 0.00001.
gnomAD v4.1: 1 of 1,614,164 alleles (0.000062%); highest among the groups gnomAD compares: East Asian, 0.0022%; no homozygotes.

Submission:

Labcorp Genetics (formerly Invitae), Labcorp
Classification: Uncertain significance for Muscular dystrophy-dystroglycanopathy (congenital with brain and eye anomalies), type a, 12; Limb-girdle muscular dystrophy due to POMK deficiency. Last evaluated: 2021-09-22. Review status: criteria provided, single submitter. Criteria: Invitae Variant Classification Sherloc (09022015). Collection method: clinical testing. Allele origin: germline.
Comment: This sequence change replaces glutamic acid with lysine at codon 161 of the POMK protein (p.Glu161Lys). The glutamic acid residue is moderately conserved and there is a small physicochemical difference between glutamic acid and lysine. This variant is not present in population databases (ExAC no frequency). This variant has not been reported in the literature in individuals affected with POMK-related conditions. Algorithms developed to predict the effect of missense changes on protein structure and function are either unavailable or do not agree on the potential impact of this missense change (SIFT: "Tolerated"; PolyPhen-2: "Possibly Damaging"; Align-GVGD: "Class C15"). In summary, the available evidence is currently insufficient to determine the role of this variant in disease. Therefore, it has been classified as a Variant of Uncertain Significance.